The following is an entry in ClinVar:

NM_006648.4(WNK2):c.3200C>T (p.Pro1067Leu)

Gene: WNK2 (WNK lysine deficient protein kinase 2; plus strand). Cytogenetic location: 9q22.31.
Variant type: single nucleotide variant.
Coding change: c.3200C>T on transcript NM_006648.4 (MANE Select); coding-DNA position 3200, C replaced by T.
Protein change: p.Pro1067Leu; replaces proline 1067 with leucine.
Molecular consequence: missense variant.
Genome position (GRCh38, 1-based): chr9:93,261,947, C>T. VCF-style: chr9-93261947-C-T. GRCh37 (hg19) VCF-style: chr9-96024229-C-T.
Other names: c.3200C>T, p.Pro1067Leu (NM_001282394.3); short protein forms P1067L.
Identifiers: ClinVar variation 3982225 (VCV003982225.2).
Genomic context (GRCh38, chr9:93,261,947, plus strand): 5'-CTGCGGTCCTCTCGCCGCCTCTGCCGGAAGTGCTGCTGCCTGCCGCCCCTGAGCTCCTGC[C>T]TCAGTTCCCCAGCTCCCTGGCCACGGTGTCTGCCTCTGTGCAGAGTGTGCCCACCCAGAC-3'
Protein context (NP_006639.3, residues 1057-1077): VLLPAAPELL[Pro1067Leu]QFPSSLATVS

ClinVar aggregate classification (germline): Uncertain significance (1 of 4 stars; one submission).

Submission:

Ambry Genetics
Classification: Uncertain significance. Last evaluated: 2026-08-16. Review status: criteria provided, single submitter. Criteria: Ambry Variant Classification Scheme 2023. Collection method: clinical testing. Allele origin: germline.
Comment: The p.P1067L variant (also known as c.3200C>T), located in coding exon 12 of the WNK2 gene, results from a C to T substitution at nucleotide position 3200. The proline at codon 1067 is replaced by leucine, an amino acid with similar properties. This amino acid position is conserved. In addition, this alteration is predicted to be tolerated by in silico analysis. Based on the available evidence, the clinical significance of this variant remains unclear.